The following is an entry in ClinVar:

NM_172107.4(KCNQ2):c.2584T>C (p.Phe862Leu)

Gene: KCNQ2 (potassium voltage-gated channel subfamily Q member 2; minus strand). Cytogenetic location: 20q13.33.
Variant type: single nucleotide variant.
Coding change: c.2584T>C on transcript NM_172107.4 (MANE Select); coding-DNA position 2584, T replaced by C.
Protein change: p.Phe862Leu; replaces phenylalanine 862 with leucine.
Molecular consequence: missense variant.
Genome position (GRCh38, 1-based): chr20:63,406,679, A>G on the plus strand (T>C on the coding strand, the complement: KCNQ2 is on the minus strand). VCF-style: chr20-63406679-A-G. GRCh37 (hg19) VCF-style: chr20-62038032-A-G.
Other names: p.F862L:TTT>CTT; c.2638T>C, p.Phe880Leu (NM_001382235.1); c.2527T>C, p.Phe843Leu (NM_001439003.1); c.2497T>C, p.Phe833Leu (NM_001439004.1); c.2500T>C, p.Phe834Leu (NM_004518.6); c.2530T>C, p.Phe844Leu (NM_172106.3); c.2491T>C, p.Phe831Leu (NM_172108.5); short protein forms F862L, F834L, F844L, F831L, F880L, F833L, F843L.
Identifiers: ClinVar variation 205938 (VCV000205938.4), dbSNP rs796052662, ClinGen allele CA090955.

ClinVar aggregate classification (germline): Uncertain significance (1 of 4 stars; one submission).

Allele frequency attached by ClinVar (database versions not stated): gnomAD exomes below 0.00001.
gnomAD v4.1: 2 of 1,603,456 alleles (0.00012%); highest among the groups gnomAD compares: Non-Finnish European, 0.00017%; no homozygotes.

Submission:

GeneDx
Classification: Uncertain significance. Last evaluated: 2017-01-17. Review status: criteria provided, single submitter. Criteria: GeneDx Variant Classification (06012015). Collection method: clinical testing. Allele origin: germline. Affected: yes.
Comment: p.Phe862Leu (TTT>CTT): c.2584 T>C in exon 17 of the KCNQ2 gene (NM_172107.2) A variant of unknown significance has been identified in the KCNQ2 gene. The F862L variant has not been published as a mutation, nor has it been reported as a benign polymorphism to our knowledge. It was not observed in approximately 6,200 individuals of European and African American ancestry in the NHLBI Exome Sequencing Project, indicating it is not a common benign variant in these populations. This substitution occurs at a position that is conserved in mammals; however, Leucine has been observed at this position in evolution. Additionally, the F862L variant is a conservative amino acid substitution, which is not likely to impact secondary protein structure as these residues share similar properties. In silico analysis is inconsistent in its predictions as to whether or not the variant is damaging to the protein structure/function. Therefore, based on the currently available information, it is unclear whether this variant is a pathogenic mutation or a rare benign variant. The variant is found in EPILEPSY panel(s).